The following is an entry in ClinVar:

ClinVar aggregate classification (germline): Uncertain significance. Review status: criteria provided, multiple submitters, no conflicts (2 of 4 stars). 2 submissions from 2 submitters: Uncertain significance (2). Last evaluated 2024-09-05.

Conditions:
Pancreatic adenocarcinoma. Identifiers: MedGen C0281361, MONDO:0006047, HP:0006725.

Allele frequency attached by ClinVar (database versions not stated): gnomAD exomes below 0.00001.
gnomAD v4.1: 1 of 1,614,144 alleles (0.000062%); highest among the groups gnomAD compares: Non-Finnish European, 0.000085%; no homozygotes.

Submissions (2):

Labcorp Genetics (formerly Invitae), Labcorp
Classification: Uncertain significance for Pancreatic adenocarcinoma. Last evaluated: 2024-09-05. Review status: criteria provided, single submitter. Criteria: Invitae Variant Classification Sherloc (09022015). Collection method: clinical testing. Allele origin: germline.
Comment: This sequence change replaces lysine, which is basic and polar, with glutamic acid, which is acidic and polar, at codon 589 of the PALLD protein (p.Lys589Glu). This variant is not present in population databases (gnomAD no frequency). This variant has not been reported in the literature in individuals affected with PALLD-related conditions. ClinVar contains an entry for this variant (Variation ID: 476382). An algorithm developed to predict the effect of missense changes on protein structure and function (PolyPhen-2) suggests that this variant is likely to be tolerated. In summary, the available evidence is currently insufficient to determine the role of this variant in disease. Therefore, it has been classified as a Variant of Uncertain Significance.

Ambry Genetics
Classification: Uncertain significance. Last evaluated: 2022-03-16. Review status: criteria provided, single submitter. Criteria: Ambry Variant Classification Scheme 2023. Collection method: clinical testing. Allele origin: germline.
Comment: The p.K1076E variant (also known as c.3226A>G), located in coding exon 18 of the PALLD gene, results from an A to G substitution at nucleotide position 3226. The lysine at codon 1076 is replaced by glutamic acid, an amino acid with similar properties. This amino acid position is conserved. In addition, the in silico prediction for this alteration is inconclusive. Since supporting evidence is limited at this time, the clinical significance of this alteration remains unclear.

NM_001166108.2(PALLD):c.3277A>G (p.Lys1093Glu)

Genes: CBR4 (carbonyl reductase 4; minus strand), PALLD (palladin, cytoskeletal associated protein; plus strand). Cytogenetic location: 4q32.3.
Variant type: single nucleotide variant.
Coding change: c.3277A>G on transcript NM_001166108.2 (MANE Select); coding-DNA position 3277, A replaced by G.
Protein change: p.Lys1093Glu; replaces lysine 1093 with glutamic acid.
Molecular consequence: missense variant.
Genome position (GRCh38, 1-based): chr4:168,924,997, A>G. VCF-style: chr4-168924997-A-G. GRCh37 (hg19) VCF-style: chr4-169846148-A-G.
Other names: c.2080A>G, p.Lys694Glu (NM_001166109.2); c.1765A>G, p.Lys589Glu (NM_001166110.2); c.1105A>G, p.Lys369Glu (NM_001367567.1, NM_001367569.1); c.1156A>G, p.Lys386Glu (NM_001367568.1, NM_001367570.1); c.3226A>G, p.Lys1076Glu (NM_016081.4); short protein forms K1076E, K589E, K1093E, K386E, K694E, K369E.
Identifiers: ClinVar variation 476382 (VCV000476382.11), dbSNP rs1553984987, ClinGen allele CA358713803.